The following is an entry in ClinVar:

NM_000088.4(COL1A1):c.1983+9G>C

Gene: COL1A1 (collagen type I alpha 1 chain; minus strand). Cytogenetic location: 17q21.33.
Variant type: single nucleotide variant.
Coding change: c.1983+9G>C on transcript NM_000088.4 (MANE Select); 9 bases into the intron after coding-DNA position 1983, G replaced by C.
Molecular consequence: intron variant.
Genome position (GRCh38, 1-based): chr17:50,192,466, C>G on the plus strand (G>C on the coding strand, the complement: COL1A1 is on the minus strand). VCF-style: chr17-50192466-C-G. GRCh37 (hg19) VCF-style: chr17-48269827-C-G.
Other names: p.?.
Identifiers: ClinVar variation 447140 (VCV000447140.45), dbSNP rs201091992, ClinGen allele CA8644998.
Genomic context (GRCh38, chr17:50,192,466, plus strand): 5'-TAGGAGCGGGGGCCTGTCCCTCTGGATTCCCTGCATCTCCCACCCCTCTGGCCGGCTGCT[C>G]CCTCTTACCTGTTCACCAGGTTTGCCTGCTTCACCTGGAGGACCAGCAGGACCAGGGAGA-3'

ClinVar aggregate classification (germline): Benign/Likely benign. Review status: criteria provided, multiple submitters, no conflicts (2 of 4 stars). 14 submissions from 11 submitters: Benign (7); Likely benign (7). Last evaluated 2026-03-27.

Conditions:
Ehlers-Danlos syndrome, arthrochalasia type. Also called: Ehlers-Danlos syndrome, arthrochalasis type; Ehlers-Danlos syndrome, arthrochalasia type, 1; ARTHROCHALASIS MULTIPLEX CONGENITA; EDS VII, MUTANT PROCOLLAGEN TYPE; EDS VIIA. Identifiers: Orphanet 1899, Orphanet 99875, Orphanet 99876, MedGen C4551623, MONDO:0007525, OMIM 130060.
Infantile cortical hyperostosis. Also called: Caffey Disease; P1PK BLOOD GROUP SYSTEM, P(2) PHENOTYPE; Hyperostosis, Cortical, Congenital. Identifiers: Orphanet 1310, MedGen C0020497, MONDO:0007244, OMIM 114000.
Osteogenesis imperfecta (OI). Identifiers: Orphanet 666, MedGen C0029434, MeSH D010013, MONDO:0019019.
Ehlers-Danlos syndrome (EDS). Identifiers: Orphanet 98249, MedGen C0013720, MONDO:0020066.
Osteogenesis imperfecta type I (OI1). Also called: OI, TYPE I; OSTEOGENESIS IMPERFECTA TARDA; OSTEOGENESIS IMPERFECTA WITH BLUE SCLERAE; Osteogenesis imperfecta type 1; Lobstein's Disease; Classic Non-deforming Osteogenesis Imperfecta with Blue Sclerae. Identifiers: Orphanet 216796, Orphanet 666, MedGen C0023931, MONDO:0008146, OMIM 166200. Disease mechanism: loss of function.

Allele frequency attached by ClinVar (database versions not stated): gnomAD 0.00029; TOPMed 0.00057; ESP Exome Variant Server 0.00115.
gnomAD v4.1: 985 of 1,605,990 alleles (0.061%); highest among the groups gnomAD compares: Non-Finnish European, 0.059%; 2 homozygotes.

Submissions (14):

Molecular Diagnostic Laboratory for Inherited Cardiovascular Disease, Montreal Heart Institute
Classification: Likely benign. Last evaluated: 2026-03-27. Review status: criteria provided, single submitter. Criteria: ACMG Guidelines, 2015. Collection method: clinical testing. Allele origin: germline. Affected: no.
Comment: BS1

CeGaT Center for Human Genetics Tuebingen
Classification: Likely benign. Last evaluated: 2026-03-01. Review status: criteria provided, single submitter. Criteria: CeGaT Center For Human Genetics Tuebingen Variant Classification Criteria Version 2. Collection method: clinical testing. Allele origin: germline. Affected: yes. Observed: 3 variant alleles.
Comment: COL1A1: BS1

Labcorp Genetics (formerly Invitae), Labcorp
Classification: Benign for Osteogenesis imperfecta type I. Last evaluated: 2026-02-04. Review status: criteria provided, single submitter. Criteria: Invitae Variant Classification Sherloc (09022015). Collection method: clinical testing. Allele origin: germline.

Mayo Clinic Laboratories, Mayo Clinic
Classification: Benign. Last evaluated: 2025-03-05. Review status: criteria provided, single submitter. Criteria: ACMG Guidelines, 2015. Collection method: clinical testing. Allele origin: germline. Observed: 5 variant alleles.
Comment: BS1, BS2, BP4, BP7

Women's Health and Genetics/Laboratory Corporation of America, LabCorp
Classification: Benign. Last evaluated: 2025-01-07. Review status: criteria provided, single submitter. Criteria: LabCorp Variant Classification Summary - May 2015. Collection method: clinical testing. Allele origin: germline.
Comment: Variant summary: COL1A1 c.1983+9G>C alters a nucleotide located at a position not widely known to affect splicing. Consensus agreement among computation tools predict no significant impact on normal splicing (TrAP). However, these predictions have yet to be confirmed by functional studies. The variant allele was found at a frequency of 0.00055 in 235884 control chromosomes. The observed variant frequency is approximately 19.6 fold of the estimated maximal expected allele frequency for a pathogenic variant in COL1A1 causing Osteogenesis Imperfecta phenotype (2.8e-05). To our knowledge, no occurrence of c.1983+9G>C in individuals affected with Osteogenesis Imperfecta and no experimental evidence demonstrating its impact on protein function have been reported. ClinVar contains an entry for this variant (Variation ID: 447140). Based on the evidence outlined above, the variant was classified as benign.

ARUP Laboratories, Molecular Genetics and Genomics, ARUP Laboratories
Classification: Benign. Last evaluated: 2024-11-07. Review status: criteria provided, single submitter. Criteria: ARUP Molecular Germline Variant Investigation Process 2024. Collection method: clinical testing. Allele origin: germline.

Blueprint Genetics
Classification: Likely benign. Last evaluated: 2024-11-01. Review status: criteria provided, single submitter. Criteria: ACMG Guidelines, 2015. Collection method: clinical testing. Allele origin: germline.

Genome Diagnostics Laboratory, The Hospital for Sick Children
Classification: Likely benign for Osteogenesis imperfecta. Last evaluated: 2022-05-17. Review status: criteria provided, single submitter. Criteria: ACMG Guidelines, 2015. Collection method: clinical testing. Allele origin: germline.

Genome Diagnostics Laboratory, The Hospital for Sick Children
Classification: Likely benign for Ehlers-Danlos syndrome. Last evaluated: 2021-11-24. Review status: criteria provided, single submitter. Criteria: ACMG Guidelines, 2015. Collection method: clinical testing. Allele origin: germline.

GeneDx
Classification: Likely benign. Last evaluated: 2018-02-13. Review status: criteria provided, single submitter. Criteria: GeneDx Variant Classification (06012015). Collection method: clinical testing. Allele origin: germline. Affected: yes.
Comment: This variant is considered likely benign or benign based on one or more of the following criteria: it is a conservative change, it occurs at a poorly conserved position in the protein, it is predicted to be benign by multiple in silico algorithms, and/or has population frequency not consistent with disease.

Illumina Laboratory Services, Illumina
Classification: Benign for Osteogenesis imperfecta. Last evaluated: 2017-05-14. Review status: criteria provided, single submitter. Criteria: ICSL Variant Classification Criteria 13 December 2019. Collection method: clinical testing. Allele origin: germline.
Comment: This variant was observed as part of a predisposition screen in an ostensibly healthy population. A literature search was performed for the gene, cDNA change, and amino acid change (where applicable). No publications were found based on this search. Allele frequency data from public databases was too high to be consistent with this variant causing disease. Therefore, this variant is classified as benign.

Illumina Laboratory Services, Illumina
Classification: Likely benign for Infantile cortical hyperostosis. Last evaluated: 2017-05-14. Review status: criteria provided, single submitter. Criteria: ICSL Variant Classification Criteria 13 December 2019. Collection method: clinical testing. Allele origin: germline.
Comment: This variant was observed as part of a predisposition screen in an ostensibly healthy population. A literature search was performed for the gene, cDNA change, and amino acid change (where applicable). No publications were found based on this search. Allele frequency data from public databases allowed determination this variant is unlikely to cause disease. Therefore, this variant is classified as likely benign.

Illumina Laboratory Services, Illumina
Classification: Benign for Ehlers-Danlos syndrome, arthrochalasia type. Last evaluated: 2017-05-14. Review status: criteria provided, single submitter. Criteria: ICSL Variant Classification Criteria 13 December 2019. Collection method: clinical testing. Allele origin: germline.
Comment: the same text as in the submission from Illumina Laboratory Services, Illumina above.

Athena Diagnostics
Classification: Benign. Last evaluated: 2016-12-12. Review status: criteria provided, single submitter. Criteria: Athena Diagnostics Criteria. Collection method: clinical testing. Allele origin: germline.